The following is an entry in ClinVar:

NM_001134407.3(GRIN2A):c.4367A>G (p.Lys1456Arg)

Gene: GRIN2A (glutamate ionotropic receptor NMDA type subunit 2A; minus strand). Cytogenetic location: 16p13.2.
Variant type: single nucleotide variant.
Coding change: c.4367A>G on transcript NM_001134407.3 (MANE Select); coding-DNA position 4367, A replaced by G.
Protein change: p.Lys1456Arg; replaces lysine 1456 with arginine.
Molecular consequence: missense variant. On other transcripts: 3 prime UTR variant (1).
Genome position (GRCh38, 1-based): chr16:9,763,177, T>C on the plus strand (A>G on the coding strand, the complement: GRIN2A is on the minus strand). VCF-style: chr16-9763177-T-C. GRCh37 (hg19) VCF-style: chr16-9857034-T-C.
Other names: c.4367A>G, p.Lys1456Arg (NM_000833.5); c.*178A>G (NM_001134408.2); short protein forms K1456R.
Identifiers: ClinVar variation 2010095 (VCV002010095.4), dbSNP rs2505959745, ClinGen allele CA394705065.
Genomic context (GRCh38, chr16:9,763,177, plus strand): 5'-TTCCCTATAGATAAAACATTAATGGAAGATTTTTAAACATCAGATTCGATACTAGGCATT[T>C]TCTTGTACACGCGTCTATTGCTGCAGGAATTTAAAACCCTGGGGGTAGAGTACATATTAT-3'
Protein context (NP_001127879.1, residues 1446-1464): NSCSNRRVYK[Lys1456Arg]MPSIESDV

ClinVar aggregate classification (germline): Uncertain significance (1 of 4 stars; one submission).

Conditions:
Landau-Kleffner syndrome (FESD). Also called: EPILEPSY, FOCAL, WITH SPEECH DISORDER AND WITH OR WITHOUT MENTAL RETARDATION; APHASIA, ACQUIRED, WITH EPILEPSY. Identifiers: Orphanet 1945, Orphanet 725, Orphanet 98818, MedGen C0282512, MONDO:0009509, OMIM 245570.

Submission:

Labcorp Genetics (formerly Invitae), Labcorp
Classification: Uncertain significance for Landau-Kleffner syndrome. Last evaluated: 2022-08-09. Review status: criteria provided, single submitter. Criteria: Invitae Variant Classification Sherloc (09022015). Collection method: clinical testing. Allele origin: germline.
Comment: In summary, the available evidence is currently insufficient to determine the role of this variant in disease. Therefore, it has been classified as a Variant of Uncertain Significance. Advanced modeling of protein sequence and biophysical properties (such as structural, functional, and spatial information, amino acid conservation, physicochemical variation, residue mobility, and thermodynamic stability) performed at Invitae indicates that this missense variant is not expected to disrupt GRIN2A protein function. This variant has not been reported in the literature in individuals affected with GRIN2A-related conditions. This variant is not present in population databases (gnomAD no frequency). This sequence change replaces lysine, which is basic and polar, with arginine, which is basic and polar, at codon 1456 of the GRIN2A protein (p.Lys1456Arg).